The following is an entry in ClinVar:

NM_000392.5(ABCC2):c.3104-1G>A

Gene: ABCC2 (ATP binding cassette subfamily C member 2; plus strand). Cytogenetic location: 10q24.2.
Variant type: single nucleotide variant.
Coding change: c.3104-1G>A on transcript NM_000392.5 (MANE Select); the canonical splice acceptor site of the intron before coding-DNA position 3104, G replaced by A.
Molecular consequence: splice acceptor variant.
Genome position (GRCh38, 1-based): chr10:99,831,976, G>A. VCF-style: chr10-99831976-G-A. GRCh37 (hg19) VCF-style: chr10-101591733-G-A.
Other names: c.3104-1G>A (NM_000392.4).
Identifiers: ClinVar variation 632123 (VCV000632123.9), dbSNP rs1054194575, ClinGen allele CA212858854.

ClinVar aggregate classification (germline): Likely pathogenic. Review status: criteria provided, single submitter (1 of 4 stars). 2 submissions from 2 submitters: Likely pathogenic (1). 1 of the submissions does not count toward it. Last evaluated 2024-06-19.

Conditions:
ABCC2-related disorder. Also called: ABCC2-related condition.

Allele frequency attached by ClinVar (database versions not stated): gnomAD 0.00001 and 0.00002; gnomAD exomes 0.00001; TOPMed 0.00001.
gnomAD v4.1: 21 of 1,614,050 alleles (0.0013%); highest among the groups gnomAD compares: Non-Finnish European, 0.0014%; no homozygotes.

Submissions (2):

Labcorp Genetics (formerly Invitae), Labcorp
Classification: Likely pathogenic. Last evaluated: 2024-06-19. Review status: criteria provided, single submitter. Criteria: Invitae Variant Classification Sherloc (09022015). Collection method: clinical testing. Allele origin: germline.
Comment: This sequence change affects an acceptor splice site in intron 22 of the ABCC2 gene. It is expected to disrupt RNA splicing. Variants that disrupt the donor or acceptor splice site typically lead to a loss of protein function (PMID: 16199547), and loss-of-function variants in ABCC2 are known to be pathogenic (PMID: 9185779, 16549534, 16952291). This variant is not present in population databases (gnomAD no frequency). This variant has not been reported in the literature in individuals affected with ABCC2-related conditions. ClinVar contains an entry for this variant (Variation ID: 632123). Algorithms developed to predict the effect of sequence changes on RNA splicing suggest that this variant may disrupt the consensus splice site. In summary, the currently available evidence indicates that the variant is pathogenic, but additional data are needed to prove that conclusively. Therefore, this variant has been classified as Likely Pathogenic.

PreventionGenetics, part of Exact Sciences
Classification: Likely pathogenic for ABCC2-related condition. Last evaluated: 2024-05-02. Review status: no assertion criteria provided. Collection method: clinical testing. Allele origin: germline. Not counted in ClinVar's aggregate classification.
Comment: The ABCC2 c.3104-1G>A variant is predicted to disrupt the AG splice acceptor site and interfere with normal splicing. To our knowledge, this variant has not been reported in the literature or in a large population database, indicating this variant is rare. Variants that disrupt the consensus splice acceptor site in ABCC2 are expected to be pathogenic. This variant is interpreted as likely pathogenic.

Literature cited by the submitters: PubMed 16199547 (cited by Labcorp Genetics (formerly Invitae), Labcorp); PubMed 9185779 (cited by Labcorp Genetics (formerly Invitae), Labcorp); PubMed 16549534 (cited by Labcorp Genetics (formerly Invitae), Labcorp); PubMed 16952291 (cited by Labcorp Genetics (formerly Invitae), Labcorp).